The following is an entry in ClinVar:

ClinVar aggregate classification (germline): Uncertain significance (1 of 4 stars; one submission).

Conditions:
Hereditary cancer-predisposing syndrome. Also called: Tumor predisposition; Hereditary Cancer Syndrome; Hereditary neoplastic syndrome; Neoplastic Syndromes, Hereditary. Identifiers: Orphanet 140162, MedGen C0027672, MeSH D009386, MONDO:0015356.

Submission:

Ambry Genetics
Classification: Uncertain significance for Hereditary cancer-predisposing syndrome. Last evaluated: 2025-11-04. Review status: criteria provided, single submitter. Criteria: Ambry Variant Classification Scheme 2023. Collection method: clinical testing. Allele origin: germline.
Comment: The p.S321R variant (also known as c.961A>C), located in coding exon 8 of the SDHA gene, results from an A to C substitution at nucleotide position 961. The serine at codon 321 is replaced by arginine, an amino acid with dissimilar properties. This amino acid position is conserved. In addition, the in silico prediction for this alteration is inconclusive. Based on the available evidence, the clinical significance of this variant remains unclear.

NM_004168.4(SDHA):c.961A>C (p.Ser321Arg)

Gene: SDHA (succinate dehydrogenase complex flavoprotein subunit A; plus strand). Cytogenetic location: 5p15.33.
Variant type: single nucleotide variant.
Coding change: c.961A>C on transcript NM_004168.4 (MANE Select); coding-DNA position 961, A replaced by C.
Protein change: p.Ser321Arg; replaces serine 321 with arginine.
Molecular consequence: missense variant.
Genome position (GRCh38, 1-based): chr5:233,542, A>C. VCF-style: chr5-233542-A-C. GRCh37 (hg19) VCF-style: chr5-233657-A-C.
Other names: c.817A>C, p.Ser273Arg (NM_001294332.2); c.961A>C, p.Ser321Arg (NM_001330758.2); short protein forms S321R, S273R.
Identifiers: ClinVar variation 4546907 (VCV004546907.1).